The following is an entry in ClinVar:

NM_001037.5(SCN1B):c.448+68G>T

Gene: SCN1B (sodium voltage-gated channel beta subunit 1; plus strand). Cytogenetic location: 19q13.11.
Variant type: single nucleotide variant.
Coding change: c.448+68G>T on transcript NM_001037.5 (MANE Select); 68 bases into the intron after coding-DNA position 448, G replaced by T.
Molecular consequence: intron variant. On other transcripts: missense variant (1).
Genome position (GRCh38, 1-based): chr19:35,033,807, G>T. VCF-style: chr19-35033807-G-T. GRCh37 (hg19) VCF-style: chr19-35524711-G-T.
Other names: c.516G>T, p.Gln172His (NM_199037.5); c.349+68G>T (NM_001321605.2); short protein forms Q172H.
Identifiers: ClinVar variation 1350401 (VCV001350401.8), dbSNP rs2151746554, ClinGen allele CA405329216.

ClinVar aggregate classification (germline): Uncertain significance (1 of 4 stars; one submission).

Conditions:
Brugada syndrome 5 (BRGDA5). Identifiers: Orphanet 130, Orphanet 871, MedGen C2748541, MONDO:0013015, OMIM 612838.

Submission:

Labcorp Genetics (formerly Invitae), Labcorp
Classification: Uncertain significance for Brugada syndrome 5. Last evaluated: 2021-06-15. Review status: criteria provided, single submitter. Criteria: Invitae Variant Classification Sherloc (09022015). Collection method: clinical testing. Allele origin: germline.
Comment: In summary, the available evidence is currently insufficient to determine the role of this variant in disease. Therefore, it has been classified as a Variant of Uncertain Significance. Algorithms developed to predict the effect of missense changes on protein structure and function are either unavailable or do not agree on the potential impact of this missense change (SIFT: "Deleterious"; PolyPhen-2: "Benign"; Align-GVGD: "Class C0"). This variant has not been reported in the literature in individuals with SCN1B-related conditions. This variant is not present in population databases (ExAC no frequency). This sequence change replaces glutamine with histidine at codon 172 of the SCN1B protein (p.Gln172His). The glutamine residue is weakly conserved and there is a small physicochemical difference between glutamine and histidine.